The following is an entry in ClinVar:

ClinVar aggregate classification (germline): Likely benign. Review status: criteria provided, multiple submitters, no conflicts (2 of 4 stars). 4 submissions from 4 submitters: Likely benign (4). Last evaluated 2024-05-14.

Conditions:
Classic or attenuated familial adenomatous polyposis. Identifiers: MedGen CN372698, MONDO:0021057.
Hereditary cancer-predisposing syndrome. Also called: Neoplastic Syndromes, Hereditary; Tumor predisposition; Hereditary Cancer Syndrome; Hereditary neoplastic syndrome. Identifiers: Orphanet 140162, MedGen C0027672, MeSH D009386, MONDO:0015356.
Familial adenomatous polyposis 1 (FAP1). Also called: FAMILIAL ADENOMATOUS POLYPOSIS 1, ATTENUATED; POLYPOSIS, ADENOMATOUS INTESTINAL. Identifiers: MedGen C2713442, MONDO:0021056, OMIM 175100. Disease mechanism: loss of function.

Submissions (4):

All of Us Research Program, National Institutes of Health
Classification: Likely benign for Classic or attenuated familial adenomatous polyposis. Last evaluated: 2024-05-14. Review status: criteria provided, single submitter. Criteria: ACMG Guidelines, 2015. Collection method: clinical testing. Allele origin: germline. Inheritance: Autosomal dominant inheritance. Observed: 1 variant allele, 1 heterozygote.
Comment: This study involves interpretation of variants in research participants for the purpose of population health screening. Participant phenotype was not available at the time of variant classification. Additional details can be found in publication PMID: 35346344, PMCID: PMC8962531

Color Diagnostics, LLC DBA Color Health
Classification: Likely benign for Hereditary cancer-predisposing syndrome. Last evaluated: 2024-05-01. Review status: criteria provided, single submitter. Criteria: ACMG Guidelines, 2015. Collection method: clinical testing. Allele origin: germline.

Labcorp Genetics (formerly Invitae), Labcorp
Classification: Likely benign for Familial adenomatous polyposis 1. Last evaluated: 2023-12-19. Review status: criteria provided, single submitter. Criteria: Invitae Variant Classification Sherloc (09022015). Collection method: clinical testing. Allele origin: germline.

Ambry Genetics
Classification: Likely benign for Hereditary cancer-predisposing syndrome. Last evaluated: 2019-08-18. Review status: criteria provided, single submitter. Criteria: Ambry Variant Classification Scheme 2023. Collection method: clinical testing. Allele origin: germline.

NM_000038.6(APC):c.1794T>C (p.His598=)

Gene: APC (APC regulator of Wnt signaling pathway; plus strand). Cytogenetic location: 5q22.2.
Variant type: single nucleotide variant.
Coding change: c.1794T>C on transcript NM_000038.6 (MANE Select); coding-DNA position 1794, T replaced by C.
Protein change: p.His598=; no amino-acid change (histidine 598 retained).
Molecular consequence: synonymous variant. On other transcripts: non-coding transcript variant (2).
Genome position (GRCh38, 1-based): chr5:112,835,001, T>C. VCF-style: chr5-112835001-T-C. GRCh37 (hg19) VCF-style: chr5-112170698-T-C.
Other names: c.1794T>C, p.His598= (NM_001127510.3, NM_001354895.2, NM_001407450.1); c.1740T>C, p.His580= (NM_001127511.3); c.1848T>C, p.His616= (NM_001354896.2, NM_001407447.1, NM_001407448.1 and 1 more transcripts); c.1824T>C, p.His608= (NM_001354897.2); c.1719T>C, p.His573= (NM_001354898.2); c.1710T>C, p.His570= (NM_001354899.2); c.1671T>C, p.His557= (NM_001354900.2); c.1617T>C, p.His539= (NM_001354901.2, NM_001407453.1); and 11 more.
Identifiers: ClinVar variation 1780245 (VCV001780245.7), dbSNP rs2149841534, ClinGen allele CA445758841.